The following is an entry in ClinVar:

ClinVar aggregate classification (germline): Uncertain significance (1 of 4 stars; one submission).

Conditions:
Bloom syndrome (BLM). Also called: Bloom-Torre-Machacek syndrome. Identifiers: Orphanet 125, MedGen C0005859, MONDO:0008876, OMIM 210900.

Submission:

Labcorp Genetics (formerly Invitae), Labcorp
Classification: Uncertain significance for Bloom syndrome. Last evaluated: 2025-08-30. Review status: criteria provided, single submitter. Criteria: Invitae Variant Classification Sherloc (09022015). Collection method: clinical testing. Allele origin: germline.
Comment: This sequence change replaces alanine, which is neutral and non-polar, with aspartic acid, which is acidic and polar, at codon 244 of the BLM protein (p.Ala244Asp). This variant is not present in population databases (gnomAD no frequency). This variant has not been reported in the literature in individuals affected with BLM-related conditions. ClinVar contains an entry for this variant (Variation ID: 3660433). An algorithm developed to predict the effect of missense changes on protein structure and function (PolyPhen-2) suggests that this variant is likely to be tolerated. In summary, the available evidence is currently insufficient to determine the role of this variant in disease. Therefore, it has been classified as a Variant of Uncertain Significance.

NM_000057.4(BLM):c.731C>A (p.Ala244Asp)

Gene: BLM (BLM RecQ like helicase; plus strand). Cytogenetic location: 15q26.1.
Variant type: single nucleotide variant.
Coding change: c.731C>A on transcript NM_000057.4 (MANE Select); coding-DNA position 731, C replaced by A.
Protein change: p.Ala244Asp; replaces alanine 244 with aspartic acid.
Molecular consequence: missense variant. On other transcripts: 5 prime UTR variant (1).
Genome position (GRCh38, 1-based): chr15:90,749,999, C>A. VCF-style: chr15-90749999-C-A. GRCh37 (hg19) VCF-style: chr15-91293229-C-A.
Other names: c.731C>A, p.Ala244Asp (NM_001287246.2, NM_001287247.2); c.-561C>A (NM_001287248.2); short protein forms A244D.
Identifiers: ClinVar variation 3660433 (VCV003660433.2).